The following is an entry in ClinVar:

NM_001369.3(DNAH5):c.8642del (p.Ala2881fs)

Gene: DNAH5 (dynein axonemal heavy chain 5; minus strand). Cytogenetic location: 5p15.2.
Variant type: Deletion.
Coding change: c.8642del on transcript NM_001369.3 (MANE Select); coding-DNA position 8642, one base deleted (C; older notation c.8642delC).
Protein change: p.Ala2881fs; shifts the reading frame from alanine 2881.
Molecular consequence: frameshift variant.
Genome position (GRCh38, 1-based): chr5:13,788,721, G deleted on the plus strand (C on the coding strand, the reverse complement: DNAH5 is on the minus strand). VCF-style (leftmost placement, unchanged base first): chr5-13788720-AG-A. GRCh37 (hg19) VCF-style: chr5-13788829-AG-A.
Other names: short protein forms A2881fs.
Identifiers: ClinVar variation 2766332 (VCV002766332.3), dbSNP rs2546723476, ClinGen allele CA2697547084.
Genomic context (GRCh38, chr5:13,788,720, plus strand): 5'-ATTTCCCTTTAGGGAACACCTTTTGGGGAATTCCAAATTCCACTTCAATAGTTTACCTGC[AG>A]CTTCAGGTGCATCTCTCAAGAAATCCACAAAATATGTGTCAATTCCACAATCCACCAAGA-3'

ClinVar aggregate classification (germline): Pathogenic (1 of 4 stars; one submission).

Conditions:
Primary ciliary dyskinesia. Also called: Ciliary dyskinesia. Identifiers: Orphanet 244, MedGen C0008780, MONDO:0016575, HP:0012265.

Submission:

Labcorp Genetics (formerly Invitae), Labcorp
Classification: Pathogenic for Primary ciliary dyskinesia. Last evaluated: 2023-10-06. Review status: criteria provided, single submitter. Criteria: Invitae Variant Classification Sherloc (09022015). Collection method: clinical testing. Allele origin: germline.
Comment: This sequence change creates a premature translational stop signal (p.Ala2881Valfs*26) in the DNAH5 gene. It is expected to result in an absent or disrupted protein product. Loss-of-function variants in DNAH5 are known to be pathogenic (PMID: 11788826, 16627867). This variant is not present in population databases (gnomAD no frequency). This variant has not been reported in the literature in individuals affected with DNAH5-related conditions. For these reasons, this variant has been classified as Pathogenic.

Literature cited by the submitters: PubMed 11788826; PubMed 16627867.